The following is an entry in ClinVar:

NM_006904.7(PRKDC):c.2637G>T (p.Met879Ile)

Gene: PRKDC (protein kinase, DNA-activated, catalytic subunit; minus strand). Cytogenetic location: 8q11.21.
Variant type: single nucleotide variant.
Coding change: c.2637G>T on transcript NM_006904.7 (MANE Select); coding-DNA position 2637, G replaced by T.
Protein change: p.Met879Ile; replaces methionine 879 with isoleucine.
Molecular consequence: missense variant.
Genome position (GRCh38, 1-based): chr8:47,914,045, C>A on the plus strand (G>T on the coding strand, the complement: PRKDC is on the minus strand). VCF-style: chr8-47914045-C-A. GRCh37 (hg19) VCF-style: chr8-48826605-C-A.
Other names: c.2637G>T, p.Met879Ile (NM_001081640.2); short protein forms M879I.
Identifiers: ClinVar variation 2561906 (VCV002561906.2), dbSNP rs1313815011, ClinGen allele CA371159577.
Genomic context (GRCh38, chr8:47,914,045, plus strand): 5'-TCTAAAGGGCACTGCAAAGCTCAGCCGCTTCTCTCTGTCCCAGGCCACATAGCTCTTCAT[C>A]ATCTCATCTGAGGACGTGACTGTTAGAAAAGATTTAAGAAGAATGAAACACTTTTTTTCT-3'
Protein context (NP_008835.5, residues 869-889): NLLTVTSSDE[Met879Ile]MKSYVAWDRE

ClinVar aggregate classification (germline): Uncertain significance (1 of 4 stars; one submission).

Submission:

Ambry Genetics
Classification: Uncertain significance. Last evaluated: 2023-05-15. Review status: criteria provided, single submitter. Criteria: Ambry Variant Classification Scheme 2023. Collection method: clinical testing. Allele origin: germline.
Comment: The p.M879I variant (also known as c.2637G>T), located in coding exon 24 of the PRKDC gene, results from a G to T substitution at nucleotide position 2637. The methionine at codon 879 is replaced by isoleucine, an amino acid with highly similar properties. This amino acid position is conserved. In addition, this alteration is predicted to be tolerated by in silico analysis. Since supporting evidence is limited at this time, the clinical significance of this alteration remains unclear.